The following is an entry in ClinVar:

NM_001042492.3(NF1):c.7510del (p.Ala2505fs)

Gene: NF1 (neurofibromin 1; plus strand). Cytogenetic location: 17q11.2.
Variant type: Deletion.
Coding change: c.7510del on transcript NM_001042492.3 (MANE Select); coding-DNA position 7510, one base deleted (C; older notation c.7510delC).
Protein change: p.Ala2505fs; shifts the reading frame from alanine 2505.
Molecular consequence: frameshift variant.
Genome position (GRCh38, 1-based): chr17:31,352,309, C deleted; the last of 2 consecutive C bases (chr17:31,352,308-31,352,309); deleting either gives the same sequence. VCF-style (leftmost placement, unchanged base first): chr17-31352307-AC-A. GRCh37 (hg19) VCF-style: chr17-29679325-AC-A.
Other names: c.7447delC, p.Ala2484Glnfs (NM_000267.4); short protein forms A2484fs, A2505fs.
Identifiers: ClinVar variation 3653439 (VCV003653439.2).

ClinVar aggregate classification (germline): Pathogenic (1 of 4 stars; one submission).

Conditions:
Neurofibromatosis, type 1 (NF1). Also called: Peripheral type neurofibromatosis; VON RECKLINGHAUSEN DISEASE; NEUROFIBROMATOSIS, TYPE I, SOMATIC; Neurofibromatosis, type I. Identifiers: Orphanet 636, MedGen C0027831, MONDO:0018975, OMIM 162200. Disease mechanism: loss of function.

Submission:

Labcorp Genetics (formerly Invitae), Labcorp
Classification: Pathogenic for Neurofibromatosis, type 1. Last evaluated: 2024-05-15. Review status: criteria provided, single submitter. Criteria: Invitae Variant Classification Sherloc (09022015). Collection method: clinical testing. Allele origin: germline.
Comment: This sequence change creates a premature translational stop signal (p.Ala2484Glnfs*18) in the NF1 gene. It is expected to result in an absent or disrupted protein product. Loss-of-function variants in NF1 are known to be pathogenic (PMID: 10712197, 23913538). This variant is not present in population databases (gnomAD no frequency). This variant has not been reported in the literature in individuals affected with NF1-related conditions. For these reasons, this variant has been classified as Pathogenic.

Literature cited by the submitters: PubMed 10712197; PubMed 23913538.